The following is an entry in ClinVar:

ClinVar aggregate classification (germline): Uncertain significance (1 of 4 stars; one submission).

Allele frequency attached by ClinVar (database versions not stated): gnomAD 0.00001.

Submission:

Labcorp Genetics (formerly Invitae), Labcorp
Classification: Uncertain significance. Last evaluated: 2023-04-06. Review status: criteria provided, single submitter. Criteria: Invitae Variant Classification Sherloc (09022015). Collection method: clinical testing. Allele origin: germline.
Comment: This sequence change replaces alanine, which is neutral and non-polar, with valine, which is neutral and non-polar, at codon 533 of the MAGEL2 protein (p.Ala533Val). This variant is not present in population databases (gnomAD no frequency). This variant has not been reported in the literature in individuals affected with MAGEL2-related conditions. Advanced modeling of protein sequence and biophysical properties (such as structural, functional, and spatial information, amino acid conservation, physicochemical variation, residue mobility, and thermodynamic stability) performed at Invitae indicates that this missense variant is not expected to disrupt MAGEL2 protein function. In summary, the available evidence is currently insufficient to determine the role of this variant in disease. Therefore, it has been classified as a Variant of Uncertain Significance.

NM_019066.5(MAGEL2):c.1598C>T (p.Ala533Val)

Gene: MAGEL2 (MAGE family member L2; minus strand). Cytogenetic location: 15q11.2.
Variant type: single nucleotide variant.
Coding change: c.1598C>T on transcript NM_019066.5 (MANE Select); coding-DNA position 1598, C replaced by T.
Protein change: p.Ala533Val; replaces alanine 533 with valine.
Molecular consequence: missense variant.
Genome position (GRCh38, 1-based): chr15:23,646,145, G>A on the plus strand (C>T on the coding strand, the complement: MAGEL2 is on the minus strand). VCF-style: chr15-23646145-G-A. GRCh37 (hg19) VCF-style: chr15-23891292-G-A.
Other names: short protein forms A533V.
Identifiers: ClinVar variation 2852519 (VCV002852519.3), dbSNP rs1595332912, ClinGen allele CA391333712.
Genomic context (GRCh38, chr15:23,646,145, plus strand): 5'-GCGGGTACCTGCGTAGCAGGTGGGGCCGTAGGCACCTGCGGCGCCGCCTGCACCTGCGGG[G>A]CCGGCAGCCTAGCCTGCGGGGCCTGCCGCAGTGGAGGTGGGGGTGGCAGGGCCTGCCAGA-3'
Protein context (NP_061939.3, residues 523-543): LRQAPQARLP[Ala533Val]PQVQAAPQVP